The following is an entry in ClinVar:

NM_003865.3(HESX1):c.357+1G>A

Gene: HESX1 (HESX homeobox 1; minus strand). Cytogenetic location: 3p14.3.
Variant type: single nucleotide variant.
Coding change: c.357+1G>A on transcript NM_003865.3 (MANE Select); the canonical splice donor site of the intron after coding-DNA position 357, G replaced by A.
Molecular consequence: splice donor variant.
Genome position (GRCh38, 1-based): chr3:57,198,752, C>T on the plus strand (G>A on the coding strand, the complement: HESX1 is on the minus strand). VCF-style: chr3-57198752-C-T. GRCh37 (hg19) VCF-style: chr3-57232780-C-T.
Other names: c.357+1G>A (NM_001376059.1, NM_001376058.1, NM_001376060.1 and 1 more transcripts).
Identifiers: ClinVar variation 1191108 (VCV001191108.3), dbSNP rs141270468, ClinGen allele CA75378670.

ClinVar aggregate classification (germline): Likely pathogenic (1 of 4 stars; one submission).

Allele frequency attached by ClinVar (database versions not stated): TOPMed below 0.00001; gnomAD exomes 0.00001 and 0.00002; gnomAD 0.00002; ESP Exome Variant Server 0.00008.
gnomAD v4.1: 16 of 1,613,580 alleles (0.00099%); highest among the groups gnomAD compares: Non-Finnish European, 0.00025%; no homozygotes.

Submission:

GeneDx
Classification: Likely pathogenic. Last evaluated: 2025-08-27. Review status: criteria provided, single submitter. Criteria: GeneDx Variant Classification Process June 2021. Collection method: clinical testing. Allele origin: germline. Affected: yes.
Comment: Canonical splice site variant predicted to result in a null allele in a gene for which loss of function is a known mechanism of disease; Has not been previously published as pathogenic or benign to our knowledge